The following is an entry in ClinVar:

ClinVar aggregate classification (germline): Uncertain significance (1 of 4 stars; one submission).

Conditions:
Bardet-Biedl syndrome (BBS). Identifiers: Orphanet 110, MedGen C0752166, MONDO:0015229.

Submission:

Labcorp Genetics (formerly Invitae), Labcorp
Classification: Uncertain significance for Bardet-Biedl syndrome. Last evaluated: 2022-07-02. Review status: criteria provided, single submitter. Criteria: Invitae Variant Classification Sherloc (09022015). Collection method: clinical testing. Allele origin: germline.
Comment: In summary, the available evidence is currently insufficient to determine the role of this variant in disease. Therefore, it has been classified as a Variant of Uncertain Significance. Algorithms developed to predict the effect of missense changes on protein structure and function output the following: SIFT: "Tolerated"; PolyPhen-2: "Benign"; Align-GVGD: "Class C0". The valine amino acid residue is found in multiple mammalian species, which suggests that this missense change does not adversely affect protein function. This variant has not been reported in the literature in individuals affected with TTC8-related conditions. This variant is not present in population databases (gnomAD no frequency). This sequence change replaces isoleucine, which is neutral and non-polar, with valine, which is neutral and non-polar, at codon 347 of the TTC8 protein (p.Ile347Val).

NM_144596.4(TTC8):c.1069A>G (p.Ile357Val)

Gene: TTC8 (tetratricopeptide repeat domain 8; plus strand). Cytogenetic location: 14q31.3.
Variant type: single nucleotide variant.
Coding change: c.1069A>G on transcript NM_144596.4 (MANE Select); coding-DNA position 1069, A replaced by G.
Protein change: p.Ile357Val; replaces isoleucine 357 with valine.
Molecular consequence: missense variant. On other transcripts: non-coding transcript variant (1).
Genome position (GRCh38, 1-based): chr14:88,871,568, A>G. VCF-style: chr14-88871568-A-G. GRCh37 (hg19) VCF-style: chr14-89337912-A-G.
Other names: c.1117A>G, p.Ile373Val (NM_001288781.1); c.475A>G, p.Ile159Val (NM_001288782.1); c.352A>G, p.Ile118Val (NM_001288783.1); c.1039A>G, p.Ile347Val (NM_001366535.2, NM_198309.3); c.949A>G, p.Ile317Val (NM_001366536.2, NM_198310.3); short protein forms I159V, I347V, I357V, I118V, I317V, I373V.
Identifiers: ClinVar variation 2066672 (VCV002066672.4), dbSNP rs893195964, ClinGen allele CA264573416.